The following is an entry in ClinVar:

ClinVar aggregate classification (germline): Benign/Likely benign. Review status: criteria provided, multiple submitters, no conflicts (2 of 4 stars). 3 submissions from 3 submitters: Benign (1); Likely benign (2). Last evaluated 2026-06-11.

Conditions:
Inborn genetic diseases. Identifiers: MedGen C0950123, MeSH D030342.
Tumor predisposition syndrome 2 (TPDS2). Also called: MBD4-ASSOCIATED NEOPLASIA SYNDROME; MBD4-Related Tumor Predisposition Syndrome; MBD4-associated neoplasia syndrome (MANS). Identifiers: Orphanet 661526, MedGen C5774186, MONDO:0859267, OMIM 619975.

Allele frequency attached by ClinVar (database versions not stated): gnomAD 0.00001.
gnomAD v4.1: 2 of 1,614,124 alleles (0.00012%); highest among the groups gnomAD compares: East Asian, 0.0045%; no homozygotes.

Submissions (3):

Myriad Genetics, Inc.
Classification: Benign for Tumor predisposition syndrome 2. Last evaluated: 2026-06-11. Review status: criteria provided, single submitter. Criteria: Myriad Autosomal Dominant, Autosomal Recessive and X-Linked Classification Criteria (2023). Collection method: clinical testing. Allele origin: unknown.
Comment: This variant is considered benign. This variant is a silent/synonymous amino acid change and it is not expected to impact splicing.

Labcorp Genetics (formerly Invitae), Labcorp
Classification: Likely benign. Last evaluated: 2025-11-14. Review status: criteria provided, single submitter. Criteria: Invitae Variant Classification Sherloc (09022015). Collection method: clinical testing. Allele origin: germline.

Ambry Genetics
Classification: Likely benign for Inborn genetic diseases. Last evaluated: 2025-05-04. Review status: criteria provided, single submitter. Criteria: Ambry Variant Classification Scheme 2023. Collection method: clinical testing. Allele origin: germline.

NM_001276270.2(MBD4):c.783T>C (p.Asp261=)

Gene: MBD4 (methyl-CpG binding domain 4, DNA glycosylase; minus strand). Cytogenetic location: 3q21.3.
Variant type: single nucleotide variant.
Coding change: c.783T>C on transcript NM_001276270.2 (MANE Select); coding-DNA position 783, T replaced by C.
Protein change: p.Asp261=; no amino-acid change (aspartic acid 261 retained).
Molecular consequence: synonymous variant. On other transcripts: intron variant (1).
Genome position (GRCh38, 1-based): chr3:129,436,861, A>G on the plus strand (T>C on the coding strand, the complement: MBD4 is on the minus strand). VCF-style: chr3-129436861-A-G. GRCh37 (hg19) VCF-style: chr3-129155704-A-G.
Other names: c.783T>C, p.Asp261= (NM_001276271.2, NM_001276272.2, NM_003925.3); c.247+947T>C (NM_001276273.2).
Identifiers: ClinVar variation 2876542 (VCV002876542.5), dbSNP rs1559800907, ClinGen allele CA435768053.